The following is an entry in ClinVar:

NM_006516.4(SLC2A1):c.276-1G>A

Gene: SLC2A1 (solute carrier family 2 member 1; minus strand). Cytogenetic location: 1p34.2.
Variant type: single nucleotide variant.
Coding change: c.276-1G>A on transcript NM_006516.4 (MANE Select); the canonical splice acceptor site of the intron before coding-DNA position 276, G replaced by A.
Molecular consequence: splice acceptor variant.
Genome position (GRCh38, 1-based): chr1:42,930,867, C>T on the plus strand (G>A on the coding strand, the complement: SLC2A1 is on the minus strand). VCF-style: chr1-42930867-C-T. GRCh37 (hg19) VCF-style: chr1-43396538-C-T.
Identifiers: ClinVar variation 665005 (VCV000665005.11), dbSNP rs1570593665, ClinGen allele CA339961466.
Genomic context (GRCh38, chr1:42,930,867, plus strand): 5'-AAGCCCATGAGCACGGCGGACACGAAGGCCAGCAGGTTCATCATCAGCATTGAATTCCGC[C>T]TGGGGACGGGGTCACAGGTCAGGCCAGTGCCCACATTCCTTGGGCTCCGAGGGGCTGGGT-3'

ClinVar aggregate classification (germline): Pathogenic. Review status: criteria provided, multiple submitters, no conflicts (2 of 4 stars). 3 submissions from 3 submitters: Pathogenic (3). Last evaluated 2023-04-11.

Conditions:
Encephalopathy due to GLUT1 deficiency. Also called: Classic Glucose Transporter Type 1 Deficiency Syndrome; Glucose transporter protein syndrome; De Vivo disease; GLUT1 deficiency syndrome 1; GLUT1 deficiency syndrome 1, infantile onset, severe; GLUCOSE TRANSPORT DEFECT, BLOOD-BRAIN BARRIER. Identifiers: Orphanet 71277, MedGen C4551966, MONDO:0011724, OMIM 606777.
GLUT1 deficiency syndrome 1, autosomal recessive. Identifiers: MedGen C3149117.

Submissions (3):

Genome-Nilou Lab
Classification: Pathogenic for Encephalopathy due to GLUT1 deficiency. Last evaluated: 2023-04-11. Review status: criteria provided, single submitter. Criteria: ACMG Guidelines, 2015. Collection method: clinical testing. Allele origin: germline. Affected: no.

GeneDx
Classification: Pathogenic. Last evaluated: 2021-08-18. Review status: criteria provided, single submitter. Criteria: GeneDx Variant Classification Process June 2021. Collection method: clinical testing. Allele origin: germline. Affected: yes.
Comment: Canonical splice site variant predicted to result in a null allele in a gene for which loss-of-function is a known mechanism of disease; Not observed at significant frequency in large population cohorts (gnomAD); This variant is associated with the following publications: (PMID: 26615598, 30198221, 31769253)

Labcorp Genetics (formerly Invitae), Labcorp
Classification: Pathogenic for GLUT1 deficiency syndrome 1, autosomal recessive. Last evaluated: 2020-08-21. Review status: criteria provided, single submitter. Criteria: Invitae Variant Classification Sherloc (09022015). Collection method: clinical testing. Allele origin: germline.
Comment: Donor and acceptor splice site variants typically lead to a loss of protein function (PMID: 16199547), and loss-of-function variants in SLC2A1 are known to be pathogenic (PMID: 21832227, 26193382). This sequence change affects an acceptor splice site in intron 3 of the SLC2A1 gene. It is expected to disrupt RNA splicing and likely results in an absent or disrupted protein product. This variant is not present in population databases (ExAC no frequency). This variant has been observed in individual(s) with SLC2A1-related conditions (PMID: 26615598, 30198221, Invitae). ClinVar contains an entry for this variant (Variation ID: 665005). Algorithms developed to predict the effect of sequence changes on RNA splicing suggest that this variant may disrupt the consensus splice site, but this prediction has not been confirmed by published transcriptional studies. For these reasons, this variant has been classified as Pathogenic.

Literature cited by the submitters: PubMed 16199547 (cited by Labcorp Genetics (formerly Invitae), Labcorp); PubMed 21832227 (cited by Labcorp Genetics (formerly Invitae), Labcorp); PubMed 26193382 (cited by Labcorp Genetics (formerly Invitae), Labcorp); PubMed 26615598 (cited by Labcorp Genetics (formerly Invitae), Labcorp); PubMed 30198221 (cited by Labcorp Genetics (formerly Invitae), Labcorp).